The following is an entry in ClinVar:

ClinVar aggregate classification (germline): Pathogenic (1 of 4 stars; one submission).

Conditions:
Hereditary cancer-predisposing syndrome. Also called: Neoplastic Syndromes, Hereditary; Tumor predisposition; Hereditary Cancer Syndrome; Hereditary neoplastic syndrome. Identifiers: Orphanet 140162, MedGen C0027672, MeSH D009386, MONDO:0015356.

Submission:

Ambry Genetics
Classification: Pathogenic for Hereditary cancer-predisposing syndrome. Last evaluated: 2020-10-27. Review status: criteria provided, single submitter. Criteria: Ambry Variant Classification Scheme 2023. Collection method: clinical testing. Allele origin: germline.
Comment: The c.3560delC pathogenic mutation, located in coding exon 23 of the ATM gene, results from a deletion of one nucleotide at nucleotide position 3560, causing a translational frameshift with a predicted alternate stop codon (p.P1187Lfs*4). This alteration is expected to result in loss of function by premature protein truncation or nonsense-mediated mRNA decay. As such, this alteration is interpreted as a disease-causing mutation.

NM_000051.4(ATM):c.3560del (p.Pro1187fs)

Gene: ATM (ATM serine/threonine kinase; plus strand). Cytogenetic location: 11q22.3.
Variant type: Deletion.
Coding change: c.3560del on transcript NM_000051.4 (MANE Select); coding-DNA position 3560, one base deleted (C; older notation c.3560delC).
Protein change: p.Pro1187fs; shifts the reading frame from proline 1187.
Molecular consequence: frameshift variant.
Genome position (GRCh38, 1-based): chr11:108,281,152, C deleted; the last of 2 consecutive C bases (chr11:108,281,151-108,281,152); deleting either gives the same sequence. VCF-style (leftmost placement, unchanged base first): chr11-108281150-AC-A. GRCh37 (hg19) VCF-style: chr11-108151877-AC-A.
Other names: c.3560del, p.Pro1187fs (NM_001351834.2); short protein forms P1187fs.
Identifiers: ClinVar variation 1732704 (VCV001732704.2), dbSNP rs2546871489, ClinGen allele CA2580083223.